The following is an entry in ClinVar:

NM_021922.3(FANCE):c.1390A>G (p.Met464Val)

Gene: FANCE (FA complementation group E; plus strand). Cytogenetic location: 6p21.31.
Variant type: single nucleotide variant.
Coding change: c.1390A>G on transcript NM_021922.3 (MANE Select); coding-DNA position 1390, A replaced by G.
Protein change: p.Met464Val; replaces methionine 464 with valine.
Molecular consequence: missense variant. On other transcripts: intron variant (1).
Genome position (GRCh38, 1-based): chr6:35,462,795, A>G. VCF-style: chr6-35462795-A-G. GRCh37 (hg19) VCF-style: chr6-35430572-A-G.
Other names: c.1316+3035A>G (NM_001410876.1); short protein forms M464V.
Identifiers: ClinVar variation 1986080 (VCV001986080.1), dbSNP rs2533694303, ClinGen allele CA363777846.

ClinVar aggregate classification (germline): Uncertain significance (1 of 4 stars; one submission).

Conditions:
Fanconi anemia complementation group E (FANCE). Also called: FANCE-Related Fanconi Anemia. Identifiers: Orphanet 84, MedGen C3160739, MONDO:0010953, OMIM 600901.

Submission:

Labcorp Genetics (formerly Invitae), Labcorp
Classification: Uncertain significance for Fanconi anemia complementation group E. Last evaluated: 2022-10-13. Review status: criteria provided, single submitter. Criteria: Invitae Variant Classification Sherloc (09022015). Collection method: clinical testing. Allele origin: germline.
Comment: This sequence change replaces methionine, which is neutral and non-polar, with valine, which is neutral and non-polar, at codon 464 of the FANCE protein (p.Met464Val). This variant is not present in population databases (gnomAD no frequency). This variant has not been reported in the literature in individuals affected with FANCE-related conditions. Advanced modeling of protein sequence and biophysical properties (such as structural, functional, and spatial information, amino acid conservation, physicochemical variation, residue mobility, and thermodynamic stability) performed at Invitae indicates that this missense variant is not expected to disrupt FANCE protein function. In summary, the available evidence is currently insufficient to determine the role of this variant in disease. Therefore, it has been classified as a Variant of Uncertain Significance.